The following is an entry in ClinVar:

ClinVar aggregate classification (germline): Likely benign. Review status: criteria provided, multiple submitters, no conflicts (2 of 4 stars). 2 submissions from 2 submitters: Likely benign (2). Last evaluated 2024-11-04.

Allele frequency attached by ClinVar (database versions not stated): ExAC 0.00005; ESP Exome Variant Server 0.00008.
gnomAD v4.1: 39 of 1,614,082 alleles (0.0024%); highest among the groups gnomAD compares: Non-Finnish European, 0.0031%; no homozygotes.

Submissions (2):

Labcorp Genetics (formerly Invitae), Labcorp
Classification: Likely benign. Last evaluated: 2024-11-04. Review status: criteria provided, single submitter. Criteria: Invitae Variant Classification Sherloc (09022015). Collection method: clinical testing. Allele origin: germline.

CeGaT Center for Human Genetics Tuebingen
Classification: Likely benign. Last evaluated: 2022-09-01. Review status: criteria provided, single submitter. Criteria: CeGaT Center For Human Genetics Tuebingen Variant Classification Criteria Version 2. Collection method: clinical testing. Allele origin: germline. Affected: yes. Observed: 1 variant allele.
Comment: ADAMTS18: BP4, BP7

NM_199355.4(ADAMTS18):c.654C>A (p.Pro218=)

Gene: ADAMTS18 (ADAM metallopeptidase with thrombospondin type 1 motif 18; minus strand). Cytogenetic location: 16q23.1.
Variant type: single nucleotide variant.
Coding change: c.654C>A on transcript NM_199355.4 (MANE Select); coding-DNA position 654, C replaced by A.
Protein change: p.Pro218=; no amino-acid change (proline 218 retained).
Molecular consequence: synonymous variant. On other transcripts: missense variant (1).
Genome position (GRCh38, 1-based): chr16:77,367,565, G>T on the plus strand (C>A on the coding strand, the complement: ADAMTS18 is on the minus strand). VCF-style: chr16-77367565-G-T. GRCh37 (hg19) VCF-style: chr16-77401462-G-T.
Other names: c.134C>A, p.Pro45Gln (NM_001326358.2); short protein forms P45Q.
Identifiers: ClinVar variation 1141771 (VCV001141771.32), dbSNP rs113746494, ClinGen allele CA8181609.